The following is an entry in ClinVar:

NM_000091.5(COL4A3):c.3794G>A (p.Gly1265Asp)

Genes: COL4A3 (collagen type IV alpha 3 chain; plus strand), MFF-DT (MFF divergent transcript; minus strand). Cytogenetic location: 2q36.3.
Variant type: single nucleotide variant.
Coding change: c.3794G>A on transcript NM_000091.5 (MANE Select); coding-DNA position 3794, G replaced by A.
Protein change: p.Gly1265Asp; replaces glycine 1265 with aspartic acid.
Molecular consequence: missense variant.
Genome position (GRCh38, 1-based): chr2:227,298,724, G>A. VCF-style: chr2-227298724-G-A. GRCh37 (hg19) VCF-style: chr2-228163440-G-A.
Other names: short protein forms G1265D.
Identifiers: ClinVar variation 4538673 (VCV004538673.1).

ClinVar aggregate classification (germline): Uncertain significance (1 of 4 stars; one submission).

gnomAD v4.1: 1 of 1,614,008 alleles (0.000062%); highest among the groups gnomAD compares: Non-Finnish European, 0.000085%; no homozygotes.

Submission:

GeneDx
Classification: Uncertain significance. Last evaluated: 2025-06-16. Review status: criteria provided, single submitter. Criteria: GeneDx Variant Classification Process June 2021. Collection method: clinical testing. Allele origin: germline. Affected: yes.
Comment: Not observed at significant frequency in large population cohorts (gnomAD); In silico analysis supports that this missense variant has a deleterious effect on protein structure/function; Has not been previously published as pathogenic or benign to our knowledge